The following is an entry in ClinVar:

NM_024642.5(GALNT12):c.146A>C (p.Glu49Ala)

Gene: GALNT12 (polypeptide N-acetylgalactosaminyltransferase 12; plus strand). Cytogenetic location: 9q22.33.
Variant type: single nucleotide variant.
Coding change: c.146A>C on transcript NM_024642.5 (MANE Select); coding-DNA position 146, A replaced by C.
Protein change: p.Glu49Ala; replaces glutamic acid 49 with alanine.
Molecular consequence: missense variant.
Genome position (GRCh38, 1-based): chr9:98,807,844, A>C. VCF-style: chr9-98807844-A-C. GRCh37 (hg19) VCF-style: chr9-101570126-A-C.
Other names: short protein forms E49A.
Identifiers: ClinVar variation 3227921 (VCV003227921.1), dbSNP rs2490455366, ClinGen allele CA374222401.

ClinVar aggregate classification (germline): Uncertain significance (1 of 4 stars; one submission).

Submission:

Ambry Genetics
Classification: Uncertain significance. Last evaluated: 2023-11-03. Review status: criteria provided, single submitter. Criteria: Ambry Variant Classification Scheme 2023. Collection method: clinical testing. Allele origin: germline.
Comment: The p.E49A variant (also known as c.146A>C), located in coding exon 1 of the GALNT12 gene, results from an A to C substitution at nucleotide position 146. The glutamic acid at codon 49 is replaced by alanine, an amino acid with dissimilar properties. This amino acid position is conserved. In addition, this alteration is predicted to be tolerated by in silico analysis. Since supporting evidence is limited at this time, the clinical significance of this alteration remains unclear.